The following is an entry in ClinVar:

ClinVar aggregate classification (germline): Conflicting classifications of pathogenicity. Review status: criteria provided, conflicting classifications (1 of 4 stars). 7 submissions from 7 submitters: Uncertain significance (2); Benign (1); Likely benign (4). Last evaluated 2026-02-04.

Conditions:
CBL-related disorder. Also called: CBL MUTATION-ASSOCIATED SYNDROME; CBL SYNDROME; NOONAN SYNDROME-LIKE DISORDER WITHOUT JUVENILE MYELOMONOCYTIC LEUKEMIA. Identifiers: Orphanet 363972, MedGen C3150803, MONDO:0013308, OMIM 613563.
Noonan syndrome and Noonan-related syndrome. Identifiers: Orphanet 98733, MedGen C5681679, MONDO:0020297.
Cardiovascular phenotype. Identifiers: MedGen CN230736.
RASopathy. Also called: rasopathies; Noonan spectrum disorder. Identifiers: Orphanet 536391, MedGen C5555857, MONDO:0021060.

Allele frequency attached by ClinVar (database versions not stated): ExAC 0.00007; ESP Exome Variant Server 0.00023; 1000 Genomes Project 30x 0.00031; TOPMed 0.00033; gnomAD 0.00035; 1000 Genomes Project 0.00040.
gnomAD v4.1: 68 of 1,602,450 alleles (0.0042%); highest among the groups gnomAD compares: African/African-American, 0.087%; no homozygotes.

Submissions (7):

Labcorp Genetics (formerly Invitae), Labcorp
Classification: Likely benign for RASopathy. Last evaluated: 2026-02-04. Review status: criteria provided, single submitter. Criteria: Invitae Variant Classification Sherloc (09022015). Collection method: clinical testing. Allele origin: germline.

PreventionGenetics, part of Exact Sciences
Classification: Likely benign for CBL-related condition. Last evaluated: 2024-12-25. Review status: criteria provided, single submitter. Criteria: ACMG Guidelines, 2015. Collection method: clinical testing. Allele origin: germline.
Comment: This variant is classified as likely benign based on ACMG/AMP sequence variant interpretation guidelines (Richards et al. 2015 PMID: 25741868, with internal and published modifications).

Ambry Genetics
Classification: Likely benign for Cardiovascular phenotype. Last evaluated: 2022-07-21. Review status: criteria provided, single submitter. Criteria: Ambry Variant Classification Scheme 2023. Collection method: clinical testing. Allele origin: germline.

Women's Health and Genetics/Laboratory Corporation of America, LabCorp
Classification: Likely benign. Last evaluated: 2019-11-25. Review status: criteria provided, single submitter. Criteria: LabCorp Variant Classification Summary - May 2015. Collection method: clinical testing. Allele origin: germline.
Comment: Variant summary: CBL c.1942A>C (p.Ser648Arg) results in a non-conservative amino acid change in the encoded protein sequence. Three of five in-silico tools predict a benign effect of the variant on protein function. The variant allele was found at a frequency of 5.2e-05 in 251458 control chromosomes, predominantly at a frequency of 0.0008 within the African or African-American subpopulation in the gnomAD database. The observed variant frequency within African or African-American control individuals in the gnomAD database is approximately 320 fold of the estimated maximal expected allele frequency for a pathogenic variant in CBL causing Noonan Syndrome and Related Conditions phenotype (2.5e-06), strongly suggesting that the variant is a benign polymorphism found primarily in populations of African or African-American origin. To our knowledge, no occurrence of c.1942A>C in individuals affected with Noonan Syndrome and Related Conditions and no experimental evidence demonstrating its impact on protein function have been reported. Two ClinVar submissions (evaluation after 2014) cite the variant as uncertain significance. Based on the evidence outlined above, the variant was classified as likely benign.

New York Genome Center
Classification: Uncertain significance for CBL-related disorder. Last evaluated: 2019-07-18. Review status: criteria provided, single submitter. Criteria: NYGC Assertion Criteria 2020. Collection method: clinical testing. Allele origin: germline. Observed: 1 heterozygote. Study: CSER-NYCKidSeq.

Genome Diagnostics Laboratory, The Hospital for Sick Children
Classification: Benign for Noonan syndrome and Noonan-related syndrome. Last evaluated: 2018-07-01. Review status: criteria provided, single submitter. Criteria: ACMG Guidelines, 2015. Collection method: clinical testing. Allele origin: germline.

GeneDx
Classification: Uncertain significance. Last evaluated: 2017-11-20. Review status: criteria provided, single submitter. Criteria: GeneDx Variant Classification (06012015). Collection method: clinical testing. Allele origin: germline. Affected: yes.
Comment: The S648R variant in the CBL gene has not been reported previously as a pathogenic variant, nor as a benign variant, to our knowledge. The S648R variant is observed in 22/24,026 (0.09%) alleles from individuals of African background in large population cohorts (Lek et al., 2016). The S648R variant is a semi-conservative amino acid substitution, which may impact secondary protein structure as these residues differ in some properties. However, in-silico analyses, including protein predictors and evolutionary conservation, support that this variant does not alter protein structure/function. We interpret S648R as a variant of uncertain significance.

NM_005188.4(CBL):c.1942A>C (p.Ser648Arg)

Gene: CBL (Cbl proto-oncogene; plus strand). Cytogenetic location: 11q23.3.
Variant type: single nucleotide variant.
Coding change: c.1942A>C on transcript NM_005188.4 (MANE Select); coding-DNA position 1942, A replaced by C.
Protein change: p.Ser648Arg; replaces serine 648 with arginine.
Molecular consequence: missense variant.
Genome position (GRCh38, 1-based): chr11:119,287,852, A>C. VCF-style: chr11-119287852-A-C. GRCh37 (hg19) VCF-style: chr11-119158562-A-C.
Other names: short protein forms S648R.
Identifiers: ClinVar variation 280204 (VCV000280204.21), dbSNP rs143264567, ClinGen allele CA6318645.